The following is an entry in ClinVar:

ClinVar aggregate classification (germline): Uncertain significance (1 of 4 stars; one submission).

Conditions:
Inborn genetic diseases. Identifiers: MedGen C0950123, MeSH D030342.

Submission:

Ambry Genetics
Classification: Uncertain significance for Inborn genetic diseases. Last evaluated: 2022-02-03. Review status: criteria provided, single submitter. Criteria: Ambry Variant Classification Scheme 2023. Collection method: clinical testing. Allele origin: germline.
Comment: The p.A78V variant (also known as c.233C>T), located in coding exon 3 of the RAD51 gene, results from a C to T substitution at nucleotide position 233. The alanine at codon 78 is replaced by valine, an amino acid with similar properties. This amino acid position is conserved. In addition, the in silico prediction for this alteration is inconclusive. Since supporting evidence is limited at this time, the clinical significance of this alteration remains unclear.

NM_002875.5(RAD51):c.233C>T (p.Ala78Val)

Gene: RAD51 (RAD51 recombinase; plus strand). Cytogenetic location: 15q15.1.
Variant type: single nucleotide variant.
Coding change: c.233C>T on transcript NM_002875.5 (MANE Select); coding-DNA position 233, C replaced by T.
Protein change: p.Ala78Val; replaces alanine 78 with valine.
Molecular consequence: missense variant. On other transcripts: intron variant (2).
Genome position (GRCh38, 1-based): chr15:40,706,184, C>T. VCF-style: chr15-40706184-C-T. GRCh37 (hg19) VCF-style: chr15-40998382-C-T.
Other names: c.233C>T, p.Ala78Val (NM_001164270.2); c.347-2841C>T (NM_133487.4, NM_001164269.2); short protein forms A78V.
Identifiers: ClinVar variation 1789835 (VCV001789835.2), dbSNP rs1050671800, ClinGen allele CA268840906.